The following is an entry in ClinVar:

NM_018942.3(HMX1):c.394A>G (p.Thr132Ala)

Gene: HMX1 (H6 family homeobox 1; minus strand). Cytogenetic location: 4p16.1.
Variant type: single nucleotide variant.
Coding change: c.394A>G on transcript NM_018942.3 (MANE Select); coding-DNA position 394, A replaced by G.
Protein change: p.Thr132Ala; replaces threonine 132 with alanine.
Molecular consequence: missense variant.
Genome position (GRCh38, 1-based): chr4:8,871,221, T>C on the plus strand (A>G on the coding strand, the complement: HMX1 is on the minus strand). VCF-style: chr4-8871221-T-C. GRCh37 (hg19) VCF-style: chr4-8872947-T-C.
Other names: c.394A>G, p.Ser132Gly (NM_001306142.2); short protein forms S132G, T132A.
Identifiers: ClinVar variation 1006562 (VCV001006562.8), dbSNP rs1722204510, ClinGen allele CA356278720.
Genomic context (GRCh38, chr4:8,871,221, plus strand): 5'-ATGCGCAGGGAGGAAGTCGGGCCCCACCGCCTGACCCACCCTCCCCGCGCCCTCACTCAC[T>C]GTCAGGACTGAGGCCGCCTCCATAGCCACCGTGCGCCCGTGGGTACCAGCGCGCTGCGCC-3'
Protein context (NP_061815.2, residues 122-142): GGYGGGLSPD[Thr132Ala]SDRDSPETGE

ClinVar aggregate classification (germline): Uncertain significance (1 of 4 stars; one submission).

Submission:

Labcorp Genetics (formerly Invitae), Labcorp
Classification: Uncertain significance. Last evaluated: 2023-08-04. Review status: criteria provided, single submitter. Criteria: Invitae Variant Classification Sherloc (09022015). Collection method: clinical testing. Allele origin: germline.
Comment: This variant is not present in population databases (gnomAD no frequency). In summary, the available evidence is currently insufficient to determine the role of this variant in disease. Therefore, it has been classified as a Variant of Uncertain Significance. An algorithm developed to predict the effect of missense changes on protein structure and function (PolyPhen-2) suggests that this variant is likely to be tolerated. ClinVar contains an entry for this variant (Variation ID: 1006562). This variant has not been reported in the literature in individuals affected with HMX1-related conditions. This sequence change replaces threonine, which is neutral and polar, with alanine, which is neutral and non-polar, at codon 132 of the HMX1 protein (p.Thr132Ala).